The following is an entry in ClinVar:

NM_139343.3(BIN1):c.-7C>T

Gene: BIN1 (bridging integrator 1; minus strand). Cytogenetic location: 2q14.3.
Variant type: single nucleotide variant.
Coding change: c.-7C>T on transcript NM_139343.3 (MANE Select); 7 bases upstream of the start codon, C replaced by T.
Molecular consequence: 5 prime UTR variant.
Genome position (GRCh38, 1-based): chr2:127,106,950, G>A on the plus strand (C>T on the coding strand, the complement: BIN1 is on the minus strand). VCF-style: chr2-127106950-G-A. GRCh37 (hg19) VCF-style: chr2-127864526-G-A.
Other names: c.-7C>T (NM_001320632.2, NM_001320633.2, NM_001320640.2 and 10 more transcripts).
Identifiers: ClinVar variation 513575 (VCV000513575.1), dbSNP rs371530719, ClinGen allele CA1857628.

ClinVar aggregate classification (germline): Likely benign (1 of 4 stars; one submission).

Allele frequency attached by ClinVar (database versions not stated): gnomAD exomes 0.00007 and 0.00015; ExAC 0.00017; 1000 Genomes Project 30x 0.00047; ESP Exome Variant Server 0.00054; 1000 Genomes Project 0.00060; gnomAD 0.00092 and 0.00098; TOPMed 0.00099.
gnomAD v4.1: 251 of 1,609,566 alleles (0.016%); highest among the groups gnomAD compares: African/African-American, 0.28%; no homozygotes.

Submission:

GeneDx
Classification: Likely benign. Last evaluated: 2017-11-27. Review status: criteria provided, single submitter. Criteria: GeneDx Variant Classification (06012015). Collection method: clinical testing. Allele origin: germline. Affected: yes.
Comment: This variant is considered likely benign or benign based on one or more of the following criteria: it is a conservative change, it occurs at a poorly conserved position in the protein, it is predicted to be benign by multiple in silico algorithms, and/or has population frequency not consistent with disease.